The following is an entry in ClinVar:

NM_022114.4(PRDM16):c.2524G>C (p.Val842Leu)

Gene: PRDM16 (PR/SET domain 16; plus strand). Cytogenetic location: 1p36.32.
Variant type: single nucleotide variant.
Coding change: c.2524G>C on transcript NM_022114.4 (MANE Select); coding-DNA position 2524, G replaced by C.
Protein change: p.Val842Leu; replaces valine 842 with leucine.
Molecular consequence: missense variant.
Genome position (GRCh38, 1-based): chr1:3,412,721, G>C. VCF-style: chr1-3412721-G-C. GRCh37 (hg19) VCF-style: chr1-3329285-G-C.
Other names: c.2524G>C, p.Val842Leu (NM_199454.3); short protein forms V842L.
Identifiers: ClinVar variation 1007546 (VCV001007546.9), dbSNP rs527355817, ClinGen allele CA544498.

ClinVar aggregate classification (germline): Uncertain significance (1 of 4 stars; one submission).

Conditions:
Left ventricular noncompaction 8 (LVNC8). Identifiers: Orphanet 154, Orphanet 54260, MedGen C3809288, MONDO:0014152, OMIM 615373.

Allele frequency attached by ClinVar (database versions not stated): ExAC below 0.00001; gnomAD 0.00001; gnomAD exomes 0.00001 and 0.00009; TOPMed 0.00001; 1000 Genomes Project 30x 0.00016; 1000 Genomes Project 0.00020.
gnomAD v4.1: 118 of 1,505,970 alleles (0.0078%); highest among the groups gnomAD compares: Non-Finnish European, 0.0098%; no homozygotes.

Submission:

Labcorp Genetics (formerly Invitae), Labcorp
Classification: Uncertain significance for Left ventricular noncompaction 8. Last evaluated: 2024-07-08. Review status: criteria provided, single submitter. Criteria: Invitae Variant Classification Sherloc (09022015). Collection method: clinical testing. Allele origin: germline.
Comment: This sequence change replaces valine, which is neutral and non-polar, with leucine, which is neutral and non-polar, at codon 842 of the PRDM16 protein (p.Val842Leu). This variant is present in population databases (rs527355817, gnomAD 0.002%). This variant has not been reported in the literature in individuals affected with PRDM16-related conditions. ClinVar contains an entry for this variant (Variation ID: 1007546). An algorithm developed to predict the effect of missense changes on protein structure and function (PolyPhen-2) suggests that this variant is likely to be tolerated. In summary, the available evidence is currently insufficient to determine the role of this variant in disease. Therefore, it has been classified as a Variant of Uncertain Significance.